The following is an entry in ClinVar:

NM_007194.4(CHEK2):c.846+3A>G

Gene: CHEK2 (checkpoint kinase 2; minus strand). Cytogenetic location: 22q12.1.
Variant type: single nucleotide variant.
Coding change: c.846+3A>G on transcript NM_007194.4 (MANE Select); 3 bases into the intron after coding-DNA position 846, A replaced by G.
Molecular consequence: intron variant.
Genome position (GRCh38, 1-based): chr22:28,710,003, T>C on the plus strand (A>G on the coding strand, the complement: CHEK2 is on the minus strand). VCF-style: chr22-28710003-T-C. GRCh37 (hg19) VCF-style: chr22-29105991-T-C.
Other names: c.183+3A>G (NM_001437942.1, NM_001257387.3); c.645+3A>G (NM_001349956.3); c.846+3A>G (NM_145862.3); c.939+3A>G (NM_001438295.1, NM_001438293.1); c.975+3A>G (NM_001438294.1, NM_001005735.3).
Identifiers: ClinVar variation 481707 (VCV000481707.21), dbSNP rs1476026799, ClinGen allele CA658656851.
Genomic context (GRCh38, chr22:28,710,003, plus strand): 5'-TTTATACTCTTCTCATATTTTGAGATAGATAAATCTAAGTATGAGTCATATAATAATACT[T>C]ACATGATTTAGCTTTTTCAAAATTTCTATTTCTGTTTCAACATTGAGAGCTGGGTCCTTT-3'

ClinVar aggregate classification (germline): Conflicting classifications of pathogenicity. Review status: criteria provided, conflicting classifications (1 of 4 stars). 4 submissions from 4 submitters: Uncertain significance (3); Likely benign (1). Last evaluated 2025-11-11.

Conditions:
Hereditary cancer-predisposing syndrome. Also called: Neoplastic Syndromes, Hereditary; Tumor predisposition; Hereditary Cancer Syndrome; Hereditary neoplastic syndrome. Identifiers: Orphanet 140162, MedGen C0027672, MeSH D009386, MONDO:0015356.
Familial cancer of breast. Also called: BREAST CANCER, FAMILIAL; Hereditary breast cancer; hereditary breast carcinoma. Identifiers: Orphanet 227535, MedGen C0346153, MONDO:0016419, OMIM 114480. Disease mechanism: loss of function.

Allele frequency attached by ClinVar (database versions not stated): gnomAD exomes below 0.00001; TOPMed below 0.00001; gnomAD 0.00001.
gnomAD v4.1: 2 of 1,468,656 alleles (0.00014%); highest among the groups gnomAD compares: Non-Finnish European, 0.00019%; no homozygotes.

Submissions (4):

Labcorp Genetics (formerly Invitae), Labcorp
Classification: Uncertain significance for Familial cancer of breast. Last evaluated: 2025-11-11. Review status: criteria provided, single submitter. Criteria: Invitae Variant Classification Sherloc (09022015). Collection method: clinical testing. Allele origin: germline.
Comment: This sequence change falls in intron 7 of the CHEK2 gene. It does not directly change the encoded amino acid sequence of the CHEK2 protein. It affects a nucleotide within the consensus splice site. This variant is not present in population databases (gnomAD no frequency). This variant has not been reported in the literature in individuals affected with CHEK2-related conditions. ClinVar contains an entry for this variant (Variation ID: 481707). Variants that disrupt the consensus splice site are a relatively common cause of aberrant splicing (PMID: 17576681, 9536098). Studies have shown this variant is associated with skipping of exon 8, but one or more of the resulting mRNA isoform(s) may be naturally occurring (internal data). In summary, the available evidence is currently insufficient to determine the role of this variant in disease. Therefore, it has been classified as a Variant of Uncertain Significance.

Ambry Genetics
Classification: Likely benign for Hereditary cancer-predisposing syndrome. Last evaluated: 2024-07-22. Review status: criteria provided, single submitter. Criteria: Ambry Variant Classification Scheme 2023. Collection method: clinical testing. Allele origin: germline.

Institute for Clinical Genetics, University Hospital TU Dresden, University Hospital TU Dresden
Classification: Uncertain significance. Last evaluated: 2021-11-03. Review status: criteria provided, single submitter. Criteria: ACMG Guidelines, 2015. Collection method: clinical testing. Allele origin: germline.

Color Diagnostics, LLC DBA Color Health
Classification: Uncertain significance for Hereditary cancer-predisposing syndrome. Last evaluated: 2019-05-02. Review status: criteria provided, single submitter. Criteria: ACMG Guidelines, 2015. Collection method: clinical testing. Allele origin: germline.

Literature cited by the submitters: PubMed 17576681 (cited by Labcorp Genetics (formerly Invitae), Labcorp); PubMed 9536098 (cited by Labcorp Genetics (formerly Invitae), Labcorp).